The following is an entry in ClinVar:

NM_000075.4(CDK4):c.235G>C (p.Ala79Pro)

Gene: CDK4 (cyclin dependent kinase 4; minus strand). Cytogenetic location: 12q14.1.
Variant type: single nucleotide variant.
Coding change: c.235G>C on transcript NM_000075.4 (MANE Select); coding-DNA position 235, G replaced by C.
Protein change: p.Ala79Pro; replaces alanine 79 with proline.
Molecular consequence: missense variant.
Genome position (GRCh38, 1-based): chr12:57,751,326, C>G on the plus strand (G>C on the coding strand, the complement: CDK4 is on the minus strand). VCF-style: chr12-57751326-C-G. GRCh37 (hg19) VCF-style: chr12-58145109-C-G.
Other names: short protein forms A79P.
Identifiers: ClinVar variation 1051733 (VCV001051733.9), dbSNP rs1555201333, ClinGen allele CA385548280.

ClinVar aggregate classification (germline): Uncertain significance (1 of 4 stars; one submission).

Conditions:
Familial melanoma. Also called: Hereditary melanoma; Hereditary cutaneous melanoma. Identifiers: Orphanet 618, MedGen C1512419, MONDO:0018961.

Submission:

Labcorp Genetics (formerly Invitae), Labcorp
Classification: Uncertain significance for Familial melanoma. Last evaluated: 2020-02-05. Review status: criteria provided, single submitter. Criteria: Invitae Variant Classification Sherloc (09022015). Collection method: clinical testing. Allele origin: germline.
Comment: This sequence change replaces alanine with proline at codon 79 of the CDK4 protein (p.Ala79Pro). The alanine residue is moderately conserved and there is a small physicochemical difference between alanine and proline. This variant is not present in population databases (ExAC no frequency). This variant has not been reported in the literature in individuals with CDK4-related conditions. Algorithms developed to predict the effect of missense changes on protein structure and function are either unavailable or do not agree on the potential impact of this missense change (SIFT: "Deleterious"; PolyPhen-2: "Benign"; Align-GVGD: "Class C0"). In summary, the available evidence is currently insufficient to determine the role of this variant in disease. Therefore, it has been classified as a Variant of Uncertain Significance.